The following is an entry in ClinVar:

ClinVar aggregate classification (germline): Uncertain significance. Review status: criteria provided, multiple submitters, no conflicts (2 of 4 stars). 6 submissions from 6 submitters: Uncertain significance (6). Last evaluated 2024-11-21.

Conditions:
Dilated cardiomyopathy 1G (CMD1G). Identifiers: Orphanet 154, MedGen C1858763, MONDO:0011400, OMIM 604145.
Autosomal recessive limb-girdle muscular dystrophy type 2J (LGMDR10). Also called: MUSCULAR DYSTROPHY, LIMB-GIRDLE, AUTOSOMAL RECESSIVE 10; Limb-girdle muscular dystrophy, type 2J. Identifiers: Orphanet 140922, MedGen C1837342, MONDO:0012127, OMIM 608807.
Cardiovascular phenotype. Identifiers: MedGen CN230736.
Early-onset myopathy with fatal cardiomyopathy (CMYO5). Also called: CONGENITAL MYOPATHY 5 WITH CARDIOMYOPATHY; Salih Myopathy. Identifiers: Orphanet 289377, MedGen C2673677, MONDO:0012714, OMIM 611705. Disease mechanism: loss of function.
Hypertrophic cardiomyopathy 9. Also called: Familial hypertrophic cardiomyopathy 9. Identifiers: MedGen C1861065, MONDO:0013412, OMIM 613765.
Tibial muscular dystrophy (TMD). Also called: Udd Distal Myopathy – Tibial Muscular Dystrophy; Tibial muscular dystrophy, tardive; UDD MYOPATHY. Identifiers: Orphanet 609, MedGen C1838244, MONDO:0010870, OMIM 600334.
Myopathy, myofibrillar, 9, with early respiratory failure (MFM9). Also called: Myopathy, distal, with early respiratory failure, autosomal dominant; Hereditary myopathy with early respiratory failure; MYOPATHY, PROXIMAL, WITH EARLY RESPIRATORY MUSCLE INVOLVEMENT; EDSTROM MYOPATHY. Identifiers: Orphanet 178464, Orphanet 34521, MedGen C1863599, MONDO:0011362, OMIM 603689.
Cardiomyopathy (CMYO). Also called: Cardiomyopathies. Identifiers: Orphanet 167848, MedGen C0878544, MONDO:0004994, HP:0001638. Inheritance: Various modes of inheritance.

Allele frequency attached by ClinVar (database versions not stated): 1000 Genomes Project 0.00020; gnomAD 0.00003 and 0.00002; gnomAD exomes 0.00004; TOPMed 0.00006; ExAC 0.00007; 1000 Genomes Project 30x 0.00016.
gnomAD v4.1: 57 of 1,606,122 alleles (0.0035%); highest among the groups gnomAD compares: East Asian, 0.083%; no homozygotes.

Submissions (6):

Labcorp Genetics (formerly Invitae), Labcorp
Classification: Uncertain significance for Dilated cardiomyopathy 1G; Autosomal recessive limb-girdle muscular dystrophy type 2J. Last evaluated: 2024-11-21. Review status: criteria provided, single submitter. Criteria: Invitae Variant Classification Sherloc (09022015). Collection method: clinical testing. Allele origin: germline.
Comment: This sequence change replaces alanine, which is neutral and non-polar, with threonine, which is neutral and polar, at codon 31610 of the TTN protein (p.Ala31610Thr). This variant also falls at the last nucleotide of exon 341, which is part of the consensus splice site for this exon. This variant is present in population databases (rs141357723, gnomAD 0.1%). This variant has not been reported in the literature in individuals affected with TTN-related conditions. ClinVar contains an entry for this variant (Variation ID: 47543). Experimental studies and prediction algorithms are not available or were not evaluated, and the functional significance of this variant is currently unknown. Variants that disrupt the consensus splice site are a relatively common cause of aberrant splicing (PMID: 17576681, 9536098). Algorithms developed to predict the effect of sequence changes on RNA splicing suggest that this variant may disrupt the consensus splice site. This variant is located in the A band of TTN (PMID: 25589632). Variants in this region may be relevant for cardiac or neuromuscular disorders (PMID: 25589632, 23975875). In summary, the available evidence is currently insufficient to determine the role of this variant in disease. Therefore, it has been classified as a Variant of Uncertain Significance.

Fulgent Genetics
Classification: Uncertain significance for Tibial muscular dystrophy; Myopathy, myofibrillar, 9, with early respiratory failure; Dilated cardiomyopathy 1G; Autosomal recessive limb-girdle muscular dystrophy type 2J; Early-onset myopathy with fatal cardiomyopathy; Hypertrophic cardiomyopathy 9. Last evaluated: 2021-11-17. Review status: criteria provided, single submitter. Criteria: ACMG Guidelines, 2015. Collection method: clinical testing. Allele origin: unknown.

Ambry Genetics
Classification: Uncertain significance for Cardiovascular phenotype. Last evaluated: 2019-10-02. Review status: criteria provided, single submitter. Criteria: Ambry Variant Classification Scheme 2023. Collection method: clinical testing. Allele origin: germline.
Comment: The p.A22545T variant (also known as c.67633G>A), located in coding exon 168 of the TTN gene, results from a G to A substitution at nucleotide position 67633. The amino acid change results in alanine to threonine at codon 22545, an amino acid with similar properties. This change occurs in the last base pair of coding exon 168, which makes it likely to have some effect on normal mRNA splicing. Using two different splice site prediction tools, this alteration is predicted by BDGP to abolish the native splice donor site, and is predicted to weaken (but not abolish) the efficiency of the native splice donor site by ESEfinder; however, direct evidence is unavailable. The nucleotide and amino acid positions are not well conserved in available vertebrate species, and threonine is the reference amino acid in other vertebrate species. In addition, the amino acid change is predicted to be tolerated by in silico analysis. Since supporting evidence is limited at this time, the clinical significance of this alteration remains unclear.

CHEO Genetics Diagnostic Laboratory, Children's Hospital of Eastern Ontario
Classification: Uncertain significance for Cardiomyopathy. Last evaluated: 2018-06-08. Review status: criteria provided, single submitter. Criteria: ACMG Guidelines, 2015. Collection method: clinical testing. Allele origin: germline.

Eurofins Ntd Llc (ga)
Classification: Uncertain significance. Last evaluated: 2013-09-30. Review status: criteria provided, single submitter. Criteria: EGL Classification Definitions 2015. Collection method: clinical testing. Allele origin: germline. Observed: 1 variant allele, 1 heterozygote.

Laboratory for Molecular Medicine, Mass General Brigham Personalized Medicine
Classification: Uncertain significance. Last evaluated: 2012-05-04. Review status: criteria provided, single submitter. Criteria: LMM Criteria. Collection method: clinical testing. Allele origin: germline. Observed: 1 variant allele.
Comment: The Ala29042Thr variant in TTN has not been reported in the literature nor previ ously identified by our laboratory. This variant has not been identified in a ve ry large and broad population by the NHLBI Exome Sequencing Project (.). This low frequency is consistent with a disease causing role but insufficient to establish this with confidence. Alanine (Ala) at positi on 29042 is not well conserved in evolution, suggesting that a change would be t olerated. However, this variant is located in the last bases of the exon, which is part of the 5? splice region. Computational tools predict a possible effect on splicing, though the accuracy of these tools is unknown. Other computational analyses (biochemical amino acid properties, AlignGVGD, PolyPhen2, and SIFT) do not provide strong support for or against an impact to the protein. Additional i nformation is needed to fully assess the clinical significance of the Ala29042Th r variant

Literature cited by the submitters: PubMed 17576681 (cited by Labcorp Genetics (formerly Invitae), Labcorp); PubMed 9536098 (cited by Labcorp Genetics (formerly Invitae), Labcorp); PubMed 25589632 (cited by Labcorp Genetics (formerly Invitae), Labcorp); PubMed 23975875 (cited by Labcorp Genetics (formerly Invitae), Labcorp).

NM_001267550.2(TTN):c.94828G>A (p.Ala31610Thr)

Genes: TTN (titin; minus strand), TTN-AS1 (TTN antisense RNA 1; plus strand). Cytogenetic location: 2q31.2.
Variant type: single nucleotide variant.
Coding change: c.94828G>A on transcript NM_001267550.2 (MANE Select); coding-DNA position 94828, G replaced by A.
Protein change: p.Ala31610Thr; replaces alanine 31610 with threonine.
Molecular consequence: missense variant.
Genome position (GRCh38, 1-based): chr2:178,546,600, C>T on the plus strand (G>A on the coding strand, the complement: TTN is on the minus strand). VCF-style: chr2-178546600-C-T. GRCh37 (hg19) VCF-style: chr2-179411327-C-T.
Other names: c.89905G>A, p.Ala29969Thr (NM_001256850.1); c.67633G>A, p.Ala22545Thr (NM_003319.4); c.87124G>A, p.Ala29042Thr (NM_133378.4); c.68008G>A, p.Ala22670Thr (NM_133432.3); c.68209G>A, p.Ala22737Thr (NM_133437.4); short protein forms A31610T, A29042T, A22670T, A22545T, A22737T, A29969T.
Identifiers: ClinVar variation 47543 (VCV000047543.15), dbSNP rs141357723, ClinGen allele CA141309.